The following is an entry in ClinVar:

NM_001649.4(SHROOM2):c.2558A>G (p.Asn853Ser)

Gene: SHROOM2 (shroom family member 2; plus strand). Cytogenetic location: Xp22.2.
Variant type: single nucleotide variant.
Coding change: c.2558A>G on transcript NM_001649.4 (MANE Select); coding-DNA position 2558, A replaced by G.
Protein change: p.Asn853Ser; replaces asparagine 853 with serine.
Molecular consequence: missense variant.
Genome position (GRCh38, 1-based): chrX:9,896,466, A>G. VCF-style: chrX-9896466-A-G. GRCh37 (hg19) VCF-style: chrX-9864506-A-G.
Other names: c.2558A>G (NM_001649.2); short protein forms N853S.
Identifiers: ClinVar variation 2659956 (VCV002659956.25), dbSNP rs376124648, ClinGen allele CA10345579.

ClinVar aggregate classification (germline): Likely benign. Review status: criteria provided, multiple submitters, no conflicts (2 of 4 stars). 2 submissions from 2 submitters: Likely benign (2). Last evaluated 2023-12-17.

Allele frequency attached by ClinVar (database versions not stated): ExAC 0.00001; gnomAD 0.00001; TOPMed 0.00002; gnomAD exomes 0.00009; ESP Exome Variant Server 0.00019.
gnomAD v4.1: 103 of 1,210,205 alleles (0.0085%); highest among the groups gnomAD compares: Middle Eastern, 0.046%; no homozygotes.

Submissions (2):

Ambry Genetics
Classification: Likely benign. Last evaluated: 2023-12-17. Review status: criteria provided, single submitter. Criteria: Ambry Variant Classification Scheme 2023. Collection method: clinical testing. Allele origin: germline.

CeGaT Center for Human Genetics Tuebingen
Classification: Likely benign. Last evaluated: 2023-07-01. Review status: criteria provided, single submitter. Criteria: CeGaT Center For Human Genetics Tuebingen Variant Classification Criteria Version 2. Collection method: clinical testing. Allele origin: germline. Affected: yes. Observed: 1 variant allele.
Comment: SHROOM2: BP4